The following is an entry in ClinVar:

ClinVar aggregate classification (germline): Uncertain significance (1 of 4 stars; one submission).

Allele frequency attached by ClinVar (database versions not stated): TOPMed below 0.00001.

Submission:

Labcorp Genetics (formerly Invitae), Labcorp
Classification: Uncertain significance. Last evaluated: 2022-08-23. Review status: criteria provided, single submitter. Criteria: Invitae Variant Classification Sherloc (09022015). Collection method: clinical testing. Allele origin: germline.
Comment: In summary, the available evidence is currently insufficient to determine the role of this variant in disease. Therefore, it has been classified as a Variant of Uncertain Significance. Algorithms developed to predict the effect of sequence changes on RNA splicing suggest that this variant may create or strengthen a splice site. Algorithms developed to predict the effect of missense changes on protein structure and function output the following: SIFT: "Tolerated"; PolyPhen-2: "Benign"; Align-GVGD: "Class C0". The valine amino acid residue is found in multiple mammalian species, which suggests that this missense change does not adversely affect protein function. ClinVar contains an entry for this variant (Variation ID: 959557). This variant has not been reported in the literature in individuals affected with KIF11-related conditions. This variant is present in population databases (no rsID available, gnomAD 0.007%). This sequence change replaces alanine, which is neutral and non-polar, with valine, which is neutral and non-polar, at codon 981 of the KIF11 protein (p.Ala981Val).

NM_004523.4(KIF11):c.2942C>T (p.Ala981Val)

Gene: KIF11 (kinesin family member 11; plus strand). Cytogenetic location: 10q23.33.
Variant type: single nucleotide variant.
Coding change: c.2942C>T on transcript NM_004523.4 (MANE Select); coding-DNA position 2942, C replaced by T.
Protein change: p.Ala981Val; replaces alanine 981 with valine.
Molecular consequence: missense variant.
Genome position (GRCh38, 1-based): chr10:92,650,420, C>T. VCF-style: chr10-92650420-C-T. GRCh37 (hg19) VCF-style: chr10-94410177-C-T.
Other names: short protein forms A981V.
Identifiers: ClinVar variation 959557 (VCV000959557.9), dbSNP rs1302704886, ClinGen allele CA377806284.